The following is an entry in ClinVar:

NC_000005.9:g.(?_1271224)_(1297488_?)dup

Gene: TERT (telomerase reverse transcriptase; minus strand). Cytogenetic location: 5p15.33.
Variant type: Duplication.
Identifiers: ClinVar variation 3246400 (VCV003246400.1).

ClinVar aggregate classification (germline): Uncertain significance (1 of 4 stars; one submission).

Conditions:
Idiopathic Pulmonary Fibrosis. Also called: Idiopathic fibrosing alveolitis, chronic form; idiopathic fibrosing alveolitis. Identifiers: Orphanet 2032, MedGen C1800706, MeSH D054990, MONDO:0800504.
Dyskeratosis congenita, autosomal dominant 2. Identifiers: MedGen C3151443, MONDO:0013521, OMIM 613989.

Submission:

Labcorp Genetics (formerly Invitae), Labcorp
Classification: Uncertain significance for Dyskeratosis congenita, autosomal dominant 2; Idiopathic Pulmonary Fibrosis. Last evaluated: 2023-04-23. Review status: criteria provided, single submitter. Criteria: Invitae Variant Classification Sherloc (09022015). Collection method: clinical testing. Allele origin: unknown.
Comment: In summary, the available evidence is currently insufficient to determine the role of this variant in disease. Therefore, it has been classified as a Variant of Uncertain Significance. Experimental studies and prediction algorithms are not available or were not evaluated, and the functional significance of this variant is currently unknown. This variant has not been reported in the literature in individuals affected with TERT-related conditions. This variant results in a copy number gain of the genomic region encompassing exon(s) 1-8 of the TERT gene. This region includes the initiator codon of the gene. This copy number gain extends beyond the assayed region for this gene and therefore may encompass additional genes. As the precise location of this event is unknown, it may be in tandem or it may be located elsewhere in the genome.